The following is an entry in ClinVar:

NM_001999.4(FBN2):c.6534C>T (p.Ser2178=)

Gene: FBN2 (fibrillin 2; minus strand). Cytogenetic location: 5q23.3.
Variant type: single nucleotide variant.
Coding change: c.6534C>T on transcript NM_001999.4 (MANE Select); coding-DNA position 6534, C replaced by T.
Protein change: p.Ser2178=; no amino-acid change (serine 2178 retained).
Molecular consequence: synonymous variant.
Genome position (GRCh38, 1-based): chr5:128,289,230, G>A on the plus strand (C>T on the coding strand, the complement: FBN2 is on the minus strand). VCF-style: chr5-128289230-G-A. GRCh37 (hg19) VCF-style: chr5-127624922-G-A.
Identifiers: ClinVar variation 391438 (VCV000391438.5), dbSNP rs1057524084, ClinGen allele CA16604826.

ClinVar aggregate classification (germline): Likely benign. Review status: criteria provided, multiple submitters, no conflicts (2 of 4 stars). 3 submissions from 3 submitters: Likely benign (3). Last evaluated 2024-10-20.

Conditions:
Familial thoracic aortic aneurysm and aortic dissection (TAAD). Also called: Thoracic aortic aneurysms and dissections. Identifiers: Orphanet 91387, MedGen C4707243, MONDO:0019625.
Congenital contractural arachnodactyly (CCA). Also called: BEALS SYNDROME; Beals-Hecht syndrome; Arthrogryposis, distal, type 9. Identifiers: Orphanet 115, MedGen C0220668, MONDO:0007363, OMIM 121050.

Allele frequency attached by ClinVar (database versions not stated): gnomAD exomes below 0.00001.
gnomAD v4.1: 3 of 1,613,650 alleles (0.00019%); highest among the groups gnomAD compares: Non-Finnish European, 0.00025%; no homozygotes.

Submissions (3):

Labcorp Genetics (formerly Invitae), Labcorp
Classification: Likely benign for Congenital contractural arachnodactyly. Last evaluated: 2024-10-20. Review status: criteria provided, single submitter. Criteria: Invitae Variant Classification Sherloc (09022015). Collection method: clinical testing. Allele origin: germline.

Ambry Genetics
Classification: Likely benign for Familial thoracic aortic aneurysm and aortic dissection. Last evaluated: 2023-01-19. Review status: criteria provided, single submitter. Criteria: Ambry Variant Classification Scheme 2023. Collection method: clinical testing. Allele origin: germline.

GeneDx
Classification: Likely benign. Last evaluated: 2016-12-06. Review status: criteria provided, single submitter. Criteria: GeneDx Variant Classification (06012015). Collection method: clinical testing. Allele origin: germline. Affected: yes.
Comment: This variant is considered likely benign or benign based on one or more of the following criteria: it is a conservative change, it occurs at a poorly conserved position in the protein, it is predicted to be benign by multiple in silico algorithms, and/or has population frequency not consistent with disease.